The following is an entry in ClinVar:

ClinVar aggregate classification (germline): Uncertain significance. Review status: criteria provided, multiple submitters, no conflicts (2 of 4 stars). 4 submissions from 4 submitters: Uncertain significance (3). 1 of the submissions does not count toward it. Last evaluated 2025-10-02.

Conditions:
Atypical hemolytic-uremic syndrome. Identifiers: Orphanet 2134, MedGen C2931788, MONDO:0016244.
CFH-related disorder. Also called: CFH-related condition; CFH-related disorders.

Allele frequency attached by ClinVar (database versions not stated): gnomAD 0.00003; ESP Exome Variant Server 0.00015; 1000 Genomes Project 30x 0.00016; 1000 Genomes Project 0.00020; gnomAD exomes 0.00020.
gnomAD v4.1: 294 of 1,614,036 alleles (0.018%); highest among the groups gnomAD compares: Non-Finnish European, 0.024%; no homozygotes.

Submissions (4):

Genomenon, Inc
Classification: Uncertain significance for Atypical hemolytic-uremic syndrome. Last evaluated: 2025-10-02. Review status: criteria provided, single submitter. Criteria: Genomenon Sequence Variant Interpretation Standards - Updated. Collection method: curation. Allele origin: germline. Affected: yes.
Comment: CFH p.Phe960Ser (c.2879T>C) is a missense variant that changes the amino acid at residue 960 from Phenylalanine to Serine. This variant has been observed in at least one proband affected with atypical hemolytic-uremic syndrome (PMID:22246034). Functional studies have been reported (PMID:34189567). It is absent or not present at a significant frequency in gnomAD. In silico models agree that this variant is not damaging. In conclusion, we classify CFH p.Phe960Ser (c.2879T>C) as a variant of uncertain significance.

Labcorp Genetics (formerly Invitae), Labcorp
Classification: Uncertain significance. Last evaluated: 2024-12-31. Review status: criteria provided, single submitter. Criteria: Invitae Variant Classification Sherloc (09022015). Collection method: clinical testing. Allele origin: germline.
Comment: This sequence change replaces phenylalanine, which is neutral and non-polar, with serine, which is neutral and polar, at codon 960 of the CFH protein (p.Phe960Ser). This variant is present in population databases (rs115722139, gnomAD 0.01%). This missense change has been observed in individual(s) with atypical hemolytic uremic syndrome and/or systemic lupus erthematosis (PMID: 22171659, 22246034). ClinVar contains an entry for this variant (Variation ID: 2147511). An algorithm developed to predict the effect of missense changes on protein structure and function outputs the following: PolyPhen-2: "Benign". The serine amino acid residue is found in multiple mammalian species, which suggests that this missense change does not adversely affect protein function. In summary, the available evidence is currently insufficient to determine the role of this variant in disease. Therefore, it has been classified as a Variant of Uncertain Significance.

Mayo Clinic Laboratories, Mayo Clinic
Classification: Uncertain significance. Last evaluated: 2024-06-20. Review status: criteria provided, single submitter. Criteria: ACMG Guidelines, 2015. Collection method: clinical testing. Allele origin: germline. Observed: 1 variant allele.
Comment: BP4

PreventionGenetics, part of Exact Sciences
Classification: Uncertain significance for CFH-related condition. Last evaluated: 2023-12-29. Review status: no assertion criteria provided. Collection method: clinical testing. Allele origin: germline. Not counted in ClinVar's aggregate classification.
Comment: The CFH c.2879T>C variant is predicted to result in the amino acid substitution p.Phe960Ser. This variant has been reported in an individual with systemic lupus erythematosus (Jönsen et al. 2011. PubMed ID: 22171659). Based on experimental studies, the p.Phe960Ser substitution was reported to not alter expression or in vitro function of complement factor H (Martín Merinero et al. 2021. PubMed ID: 34189567). This variant is reported in 0.013% of alleles in individuals of European (Non-Finnish) descent in gnomAD. At this time, the clinical significance of this variant is uncertain due to the absence of conclusive functional and genetic evidence.

Literature cited by the submitters: PubMed 22246034 (cited by 3 submitters); PubMed 34189567 (cited by Genomenon, Inc and Mayo Clinic Laboratories, Mayo Clinic); PubMed 22171659 (cited by Labcorp Genetics (formerly Invitae), Labcorp and Mayo Clinic Laboratories, Mayo Clinic).

NM_000186.4(CFH):c.2879T>C (p.Phe960Ser)

Gene: CFH (complement factor H; plus strand). Cytogenetic location: 1q31.3.
Variant type: single nucleotide variant.
Coding change: c.2879T>C on transcript NM_000186.4 (MANE Select); coding-DNA position 2879, T replaced by C.
Protein change: p.Phe960Ser; replaces phenylalanine 960 with serine.
Molecular consequence: missense variant.
Genome position (GRCh38, 1-based): chr1:196,740,715, T>C. VCF-style: chr1-196740715-T-C. GRCh37 (hg19) VCF-style: chr1-196709845-T-C.
Other names: p.Phe960Ser; short protein forms F960S.
Identifiers: ClinVar variation 2147511 (VCV002147511.8), dbSNP rs115722139, ClinGen allele CA1305769.